The following is an entry in ClinVar:

NM_000085.5(CLCNKB):c.1929+1G>A

Genes: CLCNKB (chloride voltage-gated channel Kb; plus strand), LOC106501713 (CLCNKB recombination region; plus strand). Cytogenetic location: 1p36.13.
Variant type: single nucleotide variant.
Coding change: c.1929+1G>A on transcript NM_000085.5 (MANE Select); the canonical splice donor site of the intron after coding-DNA position 1929, G replaced by A.
Molecular consequence: splice donor variant.
Genome position (GRCh38, 1-based): chr1:16,055,759, G>A. VCF-style: chr1-16055759-G-A. GRCh37 (hg19) VCF-style: chr1-16382254-G-A.
Other names: IVS17DS, G-A, +1; c.1419+1G>A (NM_001165945.2).
Identifiers: ClinVar variation 7601 (VCV000007601.3), dbSNP rs1191726071, ClinGen allele CA338645790.

ClinVar aggregate classification (germline): Likely pathogenic. Review status: criteria provided, single submitter (1 of 4 stars). 2 submissions from 2 submitters: Likely pathogenic (1). 1 of the submissions does not count toward it. Last evaluated 2026-10-05.

Conditions:
BARTTER SYNDROME, TYPE 4B, WITH SENSORINEURAL DEAFNESS.

Allele frequency attached by ClinVar (database versions not stated): TOPMed 0.00001; gnomAD 0.00001.
gnomAD v4.1: 15 of 1,613,384 alleles (0.00093%); highest among the groups gnomAD compares: East Asian, 0.0022%; no homozygotes.

Submissions (2):

GeneDx
Classification: Likely pathogenic. Last evaluated: 2026-10-05. Review status: criteria provided, single submitter. Criteria: GeneDx Variant Classification Process June 2021. Collection method: clinical testing. Allele origin: germline.
Comment: Canonical splice site variant predicted to result in an in-frame loss of the adjacent exon in a gene for which loss of function is a known mechanism of disease; Not observed at significant frequency in large population cohorts (gnomAD); This variant is associated with the following publications: (PMID: 25525159, 18310267)

OMIM
Classification: Pathogenic for BARTTER SYNDROME, TYPE 4B, WITH SENSORINEURAL DEAFNESS. Last evaluated: 2008-03-01. Review status: no assertion criteria provided. Collection method: literature only. Allele origin: germline. Not counted in ClinVar's aggregate classification.

Literature cited by the submitters: PubMed 18310267 (cited by OMIM).